The following is an entry in ClinVar:

ClinVar aggregate classification (germline): Uncertain significance. Review status: criteria provided, multiple submitters, no conflicts (2 of 4 stars). 2 submissions from 2 submitters: Uncertain significance (2). Last evaluated 2025-07-07.

Conditions:
Inborn genetic diseases. Identifiers: MedGen C0950123, MeSH D030342.

Allele frequency attached by ClinVar (database versions not stated): gnomAD 0.00001; TOPMed 0.00001.
gnomAD v4.1: 22 of 1,613,550 alleles (0.0014%); highest among the groups gnomAD compares: Non-Finnish European, 0.0016%; no homozygotes.

Submissions (2):

Labcorp Genetics (formerly Invitae), Labcorp
Classification: Uncertain significance. Last evaluated: 2025-07-07. Review status: criteria provided, single submitter. Criteria: Invitae Variant Classification Sherloc (09022015). Collection method: clinical testing. Allele origin: germline.
Comment: This sequence change replaces tyrosine, which is neutral and polar, with cysteine, which is neutral and slightly polar, at codon 930 of the MECOM protein (p.Tyr930Cys). This variant is not present in population databases (gnomAD no frequency). This variant has not been reported in the literature in individuals affected with MECOM-related conditions. ClinVar contains an entry for this variant (Variation ID: 2414964). An algorithm developed to predict the effect of missense changes on protein structure and function (PolyPhen-2) suggests that this variant is likely to be tolerated. In summary, the available evidence is currently insufficient to determine the role of this variant in disease. Therefore, it has been classified as a Variant of Uncertain Significance.

Ambry Genetics
Classification: Uncertain significance for Inborn genetic diseases. Last evaluated: 2024-12-01. Review status: criteria provided, single submitter. Criteria: Ambry Variant Classification Scheme 2023. Collection method: clinical testing. Allele origin: germline.
Comment: The p.Y1118C variant (also known as c.3353A>G), located in coding exon 15 of the MECOM gene, results from an A to G substitution at nucleotide position 3353. The tyrosine at codon 1118 is replaced by cysteine, an amino acid with highly dissimilar properties. This amino acid position is conserved. In addition, this alteration is predicted to be tolerated by in silico analysis. Based on the available evidence, the clinical significance of this variant remains unclear.

NM_004991.4(MECOM):c.3353A>G (p.Tyr1118Cys)

Gene: MECOM (MDS1 and EVI1 complex locus; minus strand). Cytogenetic location: 3q26.2.
Variant type: single nucleotide variant.
Coding change: c.3353A>G on transcript NM_004991.4 (MANE Select); coding-DNA position 3353, A replaced by G.
Protein change: p.Tyr1118Cys; replaces tyrosine 1118 with cysteine.
Molecular consequence: missense variant.
Genome position (GRCh38, 1-based): chr3:169,090,048, T>C on the plus strand (A>G on the coding strand, the complement: MECOM is on the minus strand). VCF-style: chr3-169090048-T-C. GRCh37 (hg19) VCF-style: chr3-168807836-T-C.
Other names: c.2984A>G, p.Tyr995Cys (NM_001105077.4); c.2789A>G, p.Tyr930Cys (NM_001105078.4, NM_001205194.2, NM_001366469.2 and 1 more transcripts); c.2765A>G, p.Tyr922Cys (NM_001163999.2, NM_001366470.2); c.2762A>G, p.Tyr921Cys (NM_001164000.2, NM_001366471.2, NM_001366472.2); c.3326A>G, p.Tyr1109Cys (NM_001366466.2); c.2792A>G, p.Tyr931Cys (NM_001366467.2, NM_001366468.2); c.2354A>G, p.Tyr785Cys (NM_001366473.2); c.1790A>G, p.Tyr597Cys (NM_001366474.2); and 1 more; short protein forms Y1109C, Y1118C, Y597C, Y785C, Y921C, Y922C, Y930C, Y931C.
Identifiers: ClinVar variation 2414964 (VCV002414964.7), dbSNP rs765564966, ClinGen allele CA355068425.